The following is an entry in ClinVar:

ClinVar aggregate classification (germline): Pathogenic (1 of 4 stars; one submission).

Conditions:
Baller-Gerold syndrome (BGS). Also called: CRANIOSYNOSTOSIS WITH RADIAL DEFECTS. Identifiers: Orphanet 1225, MedGen C0265308, MONDO:0009039, OMIM 218600.

Submission:

Labcorp Genetics (formerly Invitae), Labcorp
Classification: Pathogenic for Baller-Gerold syndrome. Last evaluated: 2022-09-07. Review status: criteria provided, single submitter. Criteria: Invitae Variant Classification Sherloc (09022015). Collection method: clinical testing. Allele origin: germline.
Comment: This variant has not been reported in the literature in individuals affected with RECQL4-related conditions. ClinVar contains an entry for this variant (Variation ID: 1076922). For these reasons, this variant has been classified as Pathogenic. This sequence change creates a premature translational stop signal (p.Leu1089Trpfs*61) in the RECQL4 gene. It is expected to result in an absent or disrupted protein product. Loss-of-function variants in RECQL4 are known to be pathogenic (PMID: 12734318, 12952869). This variant is not present in population databases (gnomAD no frequency).

Literature cited by the submitters: PubMed 12734318; PubMed 12952869.

NM_004260.4(RECQL4):c.3265del (p.Leu1089fs)

Gene: RECQL4 (RecQ like helicase 4; minus strand). Cytogenetic location: 8q24.3.
Variant type: Deletion.
Coding change: c.3265del on transcript NM_004260.4 (MANE Select); coding-DNA position 3265, one base deleted (C; older notation c.3265delC).
Protein change: p.Leu1089fs; shifts the reading frame from leucine 1089.
Molecular consequence: frameshift variant.
Genome position (GRCh38, 1-based): chr8:144,512,039, G deleted on the plus strand (C on the coding strand, the reverse complement: RECQL4 is on the minus strand); the first of 2 consecutive G bases (chr8:144,512,039-144,512,040); deleting either gives the same sequence. VCF-style (leftmost placement, unchanged base first): chr8-144512038-AG-A. GRCh37 (hg19) VCF-style: chr8-145737421-AG-A.
Other names: short protein forms L1089fs.
Identifiers: ClinVar variation 1076922 (VCV001076922.5), dbSNP rs2130655986, ClinGen allele CA2499219175.